The following is an entry in ClinVar:

ClinVar aggregate classification (germline): Uncertain significance. Review status: criteria provided, multiple submitters, no conflicts (2 of 4 stars). 2 submissions from 2 submitters: Uncertain significance (2). Last evaluated 2025-12-31.

Conditions:
Inborn genetic diseases. Identifiers: MedGen C0950123, MeSH D030342.

Allele frequency attached by ClinVar (database versions not stated): gnomAD exomes below 0.00001.

Submissions (2):

Ambry Genetics
Classification: Uncertain significance for Inborn genetic diseases. Last evaluated: 2025-12-31. Review status: criteria provided, single submitter. Criteria: Ambry Variant Classification Scheme 2023. Collection method: clinical testing. Allele origin: germline.
Comment: The c.430G>A (p.A144T) alteration is located in exon 5 (coding exon 5) of the KIF2A gene. This alteration results from a G to A substitution at nucleotide position 430, causing the alanine (A) at amino acid position 144 to be replaced by a threonine (T). Based on data from gnomAD, the A allele has an overall frequency of <0.001% (1/247918) total alleles studied. The highest observed frequency was 0.001% (1/112058) of European (non-Finnish) alleles. Based on insufficient or conflicting evidence, the clinical significance of this alteration remains unclear.

Labcorp Genetics (formerly Invitae), Labcorp
Classification: Uncertain significance. Last evaluated: 2022-09-01. Review status: criteria provided, single submitter. Criteria: Invitae Variant Classification Sherloc (09022015). Collection method: clinical testing. Allele origin: germline.
Comment: In summary, the available evidence is currently insufficient to determine the role of this variant in disease. Therefore, it has been classified as a Variant of Uncertain Significance. Algorithms developed to predict the effect of sequence changes on RNA splicing suggest that this variant may create or strengthen a splice site. Algorithms developed to predict the effect of missense changes on protein structure and function (SIFT, PolyPhen-2, Align-GVGD) all suggest that this variant is likely to be tolerated. This variant has not been reported in the literature in individuals affected with KIF2A-related conditions. The frequency data for this variant in the population databases is considered unreliable, as metrics indicate poor data quality at this position in the gnomAD database. This sequence change replaces alanine, which is neutral and non-polar, with threonine, which is neutral and polar, at codon 144 of the KIF2A protein (p.Ala144Thr).

NM_001098511.3(KIF2A):c.430G>A (p.Ala144Thr)

Gene: KIF2A (kinesin family member 2A; plus strand). Cytogenetic location: 5q12.1.
Variant type: single nucleotide variant.
Coding change: c.430G>A on transcript NM_001098511.3 (MANE Select); coding-DNA position 430, G replaced by A.
Protein change: p.Ala144Thr; replaces alanine 144 with threonine.
Molecular consequence: missense variant. On other transcripts: intron variant (1).
Genome position (GRCh38, 1-based): chr5:62,352,683, G>A. VCF-style: chr5-62352683-G-A. GRCh37 (hg19) VCF-style: chr5-61648510-G-A.
Other names: c.349G>A, p.Ala117Thr (NM_001243952.2); c.430G>A, p.Ala144Thr (NM_004520.5); c.400+30G>A (NM_001243953.2); c.430G>A (NM_001098511.2); short protein forms A144T, A117T.
Identifiers: ClinVar variation 2090202 (VCV002090202.5), dbSNP rs1340919447, ClinGen allele CA359948998.